The following is an entry in ClinVar:

NM_000179.3(MSH6):c.221G>A (p.Gly74Glu)

Gene: MSH6 (mutS homolog 6; plus strand). Cytogenetic location: 2p16.3.
Variant type: single nucleotide variant.
Coding change: c.221G>A on transcript NM_000179.3 (MANE Select); coding-DNA position 221, G replaced by A.
Protein change: p.Gly74Glu; replaces glycine 74 with glutamic acid.
Molecular consequence: missense variant. On other transcripts: 5 prime UTR variant (1).
Genome position (GRCh38, 1-based): chr2:47,783,454, G>A. VCF-style: chr2-47783454-G-A. GRCh37 (hg19) VCF-style: chr2-48010593-G-A.
Other names: c.221G>A, p.Gly74Glu (NM_001281492.2, NM_001406795.1, NM_001406796.1 and 9 more transcripts); c.-516G>A (NM_001281493.2, NM_001406811.1); c.-108G>A (NM_001406799.1); c.166G>A, p.Glu56Lys (NM_001406804.1); c.-708G>A (NM_001406807.1); c.-363G>A (NM_001406812.1); c.-774G>A (NM_001406814.1); c.-319G>A (NM_001406816.1); short protein forms E56K, G74E.
Identifiers: ClinVar variation 1787910 (VCV001787910.3), dbSNP rs2103943045, ClinGen allele CA346735085.

ClinVar aggregate classification (germline): Uncertain significance (1 of 4 stars; one submission).

Conditions:
Hereditary cancer-predisposing syndrome. Also called: Neoplastic Syndromes, Hereditary; Tumor predisposition; Hereditary Cancer Syndrome; Hereditary neoplastic syndrome. Identifiers: Orphanet 140162, MedGen C0027672, MeSH D009386, MONDO:0015356.

Submission:

Ambry Genetics
Classification: Uncertain significance for Hereditary cancer-predisposing syndrome. Last evaluated: 2024-04-17. Review status: criteria provided, single submitter. Criteria: Ambry Variant Classification Scheme 2023. Collection method: clinical testing. Allele origin: germline.
Comment: The p.G74E variant (also known as c.221G>A), located in coding exon 1 of the MSH6 gene, results from a G to A substitution at nucleotide position 221. The glycine at codon 74 is replaced by glutamic acid, an amino acid with similar properties. This amino acid position is well conserved in available vertebrate species. In addition, the in silico prediction for this alteration is inconclusive. Based on the available evidence, the clinical significance of this variant remains unclear.